The following is an entry in ClinVar:

ClinVar aggregate classification (germline): Uncertain significance (1 of 4 stars; one submission).

Submission:

Labcorp Genetics (formerly Invitae), Labcorp
Classification: Uncertain significance. Last evaluated: 2025-10-07. Review status: criteria provided, single submitter. Criteria: Invitae Variant Classification Sherloc (09022015). Collection method: clinical testing. Allele origin: germline.
Comment: This sequence change replaces glycine, which is neutral and non-polar, with valine, which is neutral and non-polar, at codon 280 of the NTHL1 protein (p.Gly280Val). This variant is not present in population databases (gnomAD no frequency). This variant has not been reported in the literature in individuals affected with NTHL1-related conditions. An algorithm developed to predict the effect of missense changes on protein structure and function (PolyPhen-2) suggests that this variant is likely to be tolerated. In summary, the available evidence is currently insufficient to determine the role of this variant in disease. Therefore, it has been classified as a Variant of Uncertain Significance.

NM_002528.7(NTHL1):c.815G>T (p.Gly272Val)

Gene: NTHL1 (nth like DNA glycosylase 1; minus strand). Cytogenetic location: 16p13.3.
Variant type: single nucleotide variant.
Coding change: c.815G>T on transcript NM_002528.7 (MANE Select); coding-DNA position 815, G replaced by T.
Protein change: p.Gly272Val; replaces glycine 272 with valine.
Molecular consequence: missense variant.
Genome position (GRCh38, 1-based): chr16:2,040,024, C>A on the plus strand (G>T on the coding strand, the complement: NTHL1 is on the minus strand). VCF-style: chr16-2040024-C-A. GRCh37 (hg19) VCF-style: chr16-2090025-C-A.
Other names: c.644G>T, p.Gly215Val (NM_001318193.2); c.485G>T, p.Gly162Val (NM_001318194.2); short protein forms G272V, G215V, G162V.
Identifiers: ClinVar variation 4728610 (VCV004728610.1).